The following is an entry in ClinVar:

NM_000132.4(F8):c.6533G>A (p.Arg2178His)

Gene: F8 (coagulation factor VIII; minus strand). Cytogenetic location: Xq28.
Variant type: single nucleotide variant.
Coding change: c.6533G>A on transcript NM_000132.4 (MANE Select); coding-DNA position 6533, G replaced by A.
Protein change: p.Arg2178His; replaces arginine 2178 with histidine.
Molecular consequence: missense variant.
Genome position (GRCh38, 1-based): chrX:154,863,124, C>T on the plus strand (G>A on the coding strand, the complement: F8 is on the minus strand). VCF-style: chrX-154863124-C-T. GRCh37 (hg19) VCF-style: chrX-154091399-C-T.
Other names: F8, ARG2159HIS; R2159H; c.128G>A, p.Arg43His (NM_019863.3); short protein forms R2178H, R43H.
Identifiers: ClinVar variation 10319 (VCV000010319.15), dbSNP rs137852465, ClinGen allele CA255212.

ClinVar aggregate classification (germline): Pathogenic/Likely pathogenic. Review status: criteria provided, multiple submitters, no conflicts (2 of 4 stars). 9 submissions from 9 submitters: Pathogenic (6); Likely pathogenic (1). 2 of the submissions do not count toward it. Last evaluated 2026-10-02.

Conditions:
Factor VIII deficiency. Identifiers: MedGen C3494187, OMIM 134500.
Hereditary factor IX deficiency disease (HEMB). Also called: PLASMA THROMBOPLASTIN COMPONENT DEFICIENCY; Hemophilia B; F9 DEFICIENCY; FACTOR IX DEFICIENCY; Christmas Disease. Identifiers: Orphanet 98879, MedGen C0008533, MeSH D002836, MONDO:0010604, OMIM 306900.
Hereditary factor VIII deficiency disease (HEMA). Also called: Hemophilia A, congenital; HEM A; Factor 8 deficiency, congenital; HEMOPHILIA, CLASSIC; AUTOSOMAL HEMOPHILIA A; Hemophilia A. Identifiers: Orphanet 98878, MedGen C0019069, MONDO:0010602, OMIM 306700.

Allele frequency attached by ClinVar (database versions not stated): gnomAD exomes 0.00001; ESP Exome Variant Server 0.00009; ExAC 0.00001.
gnomAD v4.1: 12 of 1,210,698 alleles (0.00099%); highest among the groups gnomAD compares: African/African-American, 0.0017%; no homozygotes.

Submissions (9):

North West Genomic Laboratory Hub, Manchester University NHS Foundation Trust
Classification: Pathogenic for Factor VIII deficiency. Last evaluated: 2026-10-02. Review status: criteria provided, single submitter. Criteria: ACGS Best Practice Guidelines for Variant Classification in Rare Disease 2024. Collection method: clinical testing. Allele origin: germline. Affected: yes.
Comment: PP3_Supp PS4_VStr PM5_Mod PP4_Mod

Myriad Genetics, Inc.
Classification: Pathogenic for Hereditary factor VIII deficiency disease. Last evaluated: 2026-07-23. Review status: criteria provided, single submitter. Criteria: Myriad Autosomal Dominant, Autosomal Recessive and X-Linked Classification Criteria (2023). Collection method: clinical testing. Allele origin: unknown.
Comment: NM_000132.3(F8):c.6533G>A(R2178H) is a missense variant classified as pathogenic in the context of hemophilia A. Please note that R2178H may be associated with mild hemophilia A. R2178H has been observed in cases with relevant disease (PMID: 22103590, 18691168, 8547094, 17610560, 25824987, 29296726). Relevant functional assessments of this variant are not available in the literature. R2178H has been observed in referenced population frequency databases. In summary, NM_000132.3(F8):c.6533G>A(R2178H) is a missense variant that has been observed more frequently in cases with the relevant disease than in healthy populations. Please note: this variant was assessed in the context of healthy population screening.

Mayo Clinic Laboratories, Mayo Clinic
Classification: Pathogenic. Last evaluated: 2025-02-26. Review status: criteria provided, single submitter. Criteria: ACMG Guidelines, 2015. Collection method: clinical testing. Allele origin: germline. Observed: 1 variant allele.
Comment: PP3_moderate, PM1_supporting, PM2_supporting, PM5_supporting, PS4_very_strong

Laboratory of Genetics, Children's Clinical University Hospital Latvia
Classification: Pathogenic. Last evaluated: 2025-02-16. Review status: criteria provided, single submitter. Criteria: ACMG Guidelines, 2015. Collection method: clinical testing. Allele origin: germline. Affected: yes.

Women's Health and Genetics/Laboratory Corporation of America, LabCorp
Classification: Pathogenic for Hereditary factor VIII deficiency disease. Last evaluated: 2024-08-07. Review status: criteria provided, single submitter. Criteria: LabCorp Variant Classification Summary - May 2015. Collection method: clinical testing. Allele origin: germline.
Comment: Variant summary: F8 c.6533G>A (p.Arg2178His) results in a non-conservative amino acid change located in the Coagulation factor 5/8, C-terminal domain (IPR000421) of the encoded protein sequence. Four of five in-silico tools predict a damaging effect of the variant on protein function. The variant allele was found at a frequency of 5.5e-06 in 183351 control chromosomes. c.6533G>A has been reported in the literature in multiple individuals affected with Factor VIII Deficiency (Hemophilia A) (Examples: Green_2008 and Miller_2022). These data indicate that the variant is very likely to be associated with disease. The following publications have been ascertained in the context of this evaluation (PMID: 18691168, 22103590). ClinVar contains an entry for this variant (Variation ID: 10319). Based on the evidence outlined above, the variant was classified as pathogenic.

ARUP Laboratories, Molecular Genetics and Genomics, ARUP Laboratories
Classification: Pathogenic. Last evaluated: 2024-08-05. Review status: criteria provided, single submitter. Criteria: ARUP Molecular Germline Variant Investigation Process 2024. Collection method: clinical testing. Allele origin: germline.
Comment: The F8 c.6533G>A; p.Arg2178His variant (rs137852465) is reported in the literature in multiple individuals affected with mild hemophilia A (see link to FVIII database and references therein). This variant is also reported in ClinVar (Variation ID: 10319). It is only observed on one allele in the Genome Aggregation Database, indicating it is not a common polymorphism. The arginine at codon 2178 is highly conserved, and computational analyses predict that this variant is deleterious (REVEL: 0.82). Additionally, other variants at this codon (c.6532C>T, p.Arg2178Cys; c.6533G>T, p.Arg2178Leu) have been reported in individuals with mild to moderate hemophilia A and are considered pathogenic (FVIII database). Based on available information, the p.Arg2178His variant is considered to be pathogenic. References: Link to FVIII database

NIHR Bioresource Rare Diseases, University of Cambridge
Classification: Likely pathogenic for Hereditary factor IX deficiency disease. Last evaluated: 2019-02-01. Review status: criteria provided, single submitter. Criteria: ACMG Guidelines, 2015. Collection method: research. Allele origin: unknown. Affected: yes. Observed: 1 hemizygote. Study: ThromboGenomics.

OMIM
Classification: Pathogenic for HEMOPHILIA A. Last evaluated: 1995-01-01. Review status: no assertion criteria provided. Collection method: literature only. Allele origin: germline. Not counted in ClinVar's aggregate classification.

ISTH-SSC Genomics in Thrombosis and Hemostasis, KU Leuven, Center for Molecular and Vascular Biology
Classification: Likely pathogenic for Hereditary factor VIII deficiency disease. Review status: no assertion criteria provided. Collection method: research. Allele origin: unknown. Affected: yes. Not counted in ClinVar's aggregate classification.
Comment: Submitted to GoldVariant by Dr Karyn Mégy from NIHR Bioresource - Cambridge University, UK

Literature cited by the submitters: PubMed 17610560 (cited by Myriad Genetics, Inc. and Mayo Clinic Laboratories, Mayo Clinic); PubMed 18691168 (cited by 3 submitters); PubMed 22103590 (cited by Myriad Genetics, Inc. and Women's Health and Genetics/Laboratory Corporation of America, LabCorp); PubMed 25824987 (cited by Myriad Genetics, Inc. and Mayo Clinic Laboratories, Mayo Clinic); PubMed 29296726 (cited by Myriad Genetics, Inc. and Mayo Clinic Laboratories, Mayo Clinic); PubMed 8547094 (cited by Myriad Genetics, Inc. and Mayo Clinic Laboratories, Mayo Clinic); PubMed 12871415 (cited by Mayo Clinic Laboratories, Mayo Clinic); PubMed 38759975 (cited by Mayo Clinic Laboratories, Mayo Clinic); PubMed 39125936 (cited by Mayo Clinic Laboratories, Mayo Clinic); PubMed 31064749 (cited by NIHR Bioresource Rare Diseases, University of Cambridge); PubMed 7728145 (cited by OMIM).